The following is an entry in ClinVar:

ClinVar aggregate classification (germline): Benign/Likely benign. Review status: criteria provided, multiple submitters, no conflicts (2 of 4 stars). 3 submissions from 3 submitters: Benign (1); Likely benign (2). Last evaluated 2025-05-08.

Conditions:
Hereditary cancer-predisposing syndrome. Also called: Hereditary neoplastic syndrome; Neoplastic Syndromes, Hereditary; Tumor predisposition; Hereditary Cancer Syndrome. Identifiers: Orphanet 140162, MedGen C0027672, MeSH D009386, MONDO:0015356.
Tuberous sclerosis 1 (TSC1). Identifiers: Orphanet 805, MedGen C1854465, MONDO:0008612, OMIM 191100.

gnomAD v4.1: 8 of 1,614,038 alleles (0.0005%); highest among the groups gnomAD compares: Non-Finnish European, 0.00068%; no homozygotes.

Submissions (3):

Labcorp Genetics (formerly Invitae), Labcorp
Classification: Likely benign for Tuberous sclerosis 1. Last evaluated: 2025-05-08. Review status: criteria provided, single submitter. Criteria: Invitae Variant Classification Sherloc (09022015). Collection method: clinical testing. Allele origin: germline.

Myriad Genetics, Inc.
Classification: Benign for Tuberous sclerosis 1. Last evaluated: 2025-04-24. Review status: criteria provided, single submitter. Criteria: Myriad Autosomal Dominant, Autosomal Recessive and X-Linked Classification Criteria (2023). Collection method: clinical testing. Allele origin: unknown.
Comment: This variant is considered benign. This variant is a silent/synonymous amino acid change and it is not expected to impact splicing.

Ambry Genetics
Classification: Likely benign for Hereditary cancer-predisposing syndrome. Last evaluated: 2022-06-04. Review status: criteria provided, single submitter. Criteria: Ambry Variant Classification Scheme 2023. Collection method: clinical testing. Allele origin: germline.

NM_000368.5(TSC1):c.2010C>T (p.Pro670=)

Gene: TSC1 (TSC complex subunit 1; minus strand). Cytogenetic location: 9q34.13.
Variant type: single nucleotide variant.
Coding change: c.2010C>T on transcript NM_000368.5 (MANE Select); coding-DNA position 2010, C replaced by T.
Protein change: p.Pro670=; no amino-acid change (proline 670 retained).
Molecular consequence: synonymous variant.
Genome position (GRCh38, 1-based): chr9:132,904,442, G>A on the plus strand (C>T on the coding strand, the complement: TSC1 is on the minus strand). VCF-style: chr9-132904442-G-A. GRCh37 (hg19) VCF-style: chr9-135779829-G-A.
Other names: c.2007C>T, p.Pro669= (NM_001162426.2); c.1857C>T, p.Pro619= (NM_001162427.2); c.1647C>T, p.Pro549= (NM_001362177.2).
Identifiers: ClinVar variation 729885 (VCV000729885.14), dbSNP rs1588305958, ClinGen allele CA467590821.